The following is an entry in ClinVar:

NM_006892.4(DNMT3B):c.2238G>A (p.Val746=)

Gene: DNMT3B (DNA methyltransferase 3 beta; plus strand). Cytogenetic location: 20q11.21.
Variant type: single nucleotide variant.
Coding change: c.2238G>A on transcript NM_006892.4 (MANE Select); coding-DNA position 2238, G replaced by A.
Protein change: p.Val746=; no amino-acid change (valine 746 retained).
Molecular consequence: synonymous variant. On other transcripts: intron variant (3).
Genome position (GRCh38, 1-based): chr20:32,805,344, G>A. VCF-style: chr20-32805344-G-A. GRCh37 (hg19) VCF-style: chr20-31393150-G-A.
Other names: c.2178G>A, p.Val726= (NM_175848.2); c.2214G>A, p.Val738= (NM_175850.3); c.2172-2418G>A (NM_175849.2); c.2046-2418G>A (NM_001207055.2); c.1944-2418G>A (NM_001207056.2).
Identifiers: ClinVar variation 1983159 (VCV001983159.1), dbSNP rs772886351, ClinGen allele CA9810871.

ClinVar aggregate classification (germline): Uncertain significance (1 of 4 stars; one submission).

Conditions:
Centromeric instability of chromosomes 1,9 and 16 and immunodeficiency (ICF1). Also called: CENTROMERIC INSTABILITY, IMMUNODEFICIENCY SYNDROME; IMMUNE DEFICIENCY, VARIABLE, WITH CENTROMERIC INSTABILITY OF CHROMOSOMES 1, 9, AND 16; IMMUNODEFICIENCY SYNDROME, VARIABLE; Immunodeficiency-centromeric instability-facial anomalies. Identifiers: Orphanet 2268, MedGen C0398788, MONDO:0000133.

Allele frequency attached by ClinVar (database versions not stated): gnomAD 0.00001; TOPMed 0.00001; ExAC 0.00003; gnomAD exomes 0.00005.
gnomAD v4.1: 73 of 1,614,054 alleles (0.0045%); highest among the groups gnomAD compares: Non-Finnish European, 0.006%; no homozygotes.

Submission:

Labcorp Genetics (formerly Invitae), Labcorp
Classification: Uncertain significance for Centromeric instability of chromosomes 1,9 and 16 and immunodeficiency. Last evaluated: 2022-03-01. Review status: criteria provided, single submitter. Criteria: Invitae Variant Classification Sherloc (09022015). Collection method: clinical testing. Allele origin: germline.
Comment: This sequence change affects codon 746 of the DNMT3B mRNA. It is a 'silent' change, meaning that it does not change the encoded amino acid sequence of the DNMT3B protein. This variant is present in population databases (rs772886351, gnomAD 0.007%). This variant has not been reported in the literature in individuals affected with DNMT3B-related conditions. Algorithms developed to predict the effect of sequence changes on RNA splicing suggest that this variant may disrupt the consensus splice site. In summary, the available evidence is currently insufficient to determine the role of this variant in disease. Therefore, it has been classified as a Variant of Uncertain Significance.